The following is an entry in ClinVar:

NM_001267550.2(TTN):c.80553C>T (p.Phe26851=)

Genes: TTN (titin; minus strand), TTN-AS1 (TTN antisense RNA 1; plus strand). Cytogenetic location: 2q31.2.
Variant type: single nucleotide variant.
Coding change: c.80553C>T on transcript NM_001267550.2 (MANE Select); coding-DNA position 80553, C replaced by T.
Protein change: p.Phe26851=; no amino-acid change (phenylalanine 26851 retained).
Molecular consequence: synonymous variant.
Genome position (GRCh38, 1-based): chr2:178,565,579, G>A on the plus strand (C>T on the coding strand, the complement: TTN is on the minus strand). VCF-style: chr2-178565579-G-A. GRCh37 (hg19) VCF-style: chr2-179430306-G-A.
Other names: c.75630C>T, p.Phe25210= (NM_001256850.1); c.53358C>T, p.Phe17786= (NM_003319.4); c.72849C>T, p.Phe24283= (NM_133378.4); c.53733C>T, p.Phe17911= (NM_133432.3); c.53934C>T, p.Phe17978= (NM_133437.4).
Identifiers: ClinVar variation 167767 (VCV000167767.27), dbSNP rs189790119, ClinGen allele CA235060.
Genomic context (GRCh38, chr2:178,565,579, plus strand): 5'-GACAGGAACACCCAACACTCTTGGATCGCTTTTTCCTTTCTCATTATAAGCCTTGACACG[G>A]AACTGATATTCTTGTCCAGAACTCAAACCAGTAACAACTGCATTACAGACTTTGGATTCA-3'
Protein context (NP_001254479.2, residues 26841-26861): TGLSSGQEYQ[Phe26851=]RVKAYNEKGK

ClinVar aggregate classification (germline): Conflicting classifications of pathogenicity. Review status: criteria provided, conflicting classifications (1 of 4 stars). 13 submissions from 9 submitters: Uncertain significance (6); Benign (3); Likely benign (3). 1 of the submissions does not count toward it. Last evaluated 2025-07-20.

Conditions:
TTN-related disorder. Also called: TTN-related disorders; TTN-related condition; TTN-related disease.
Cardiovascular phenotype. Identifiers: MedGen CN230736.
Dilated cardiomyopathy 1G (CMD1G). Identifiers: Orphanet 154, MedGen C1858763, MONDO:0011400, OMIM 604145.
Autosomal recessive limb-girdle muscular dystrophy type 2J (LGMDR10). Also called: Limb-girdle muscular dystrophy, type 2J; MUSCULAR DYSTROPHY, LIMB-GIRDLE, AUTOSOMAL RECESSIVE 10. Identifiers: Orphanet 140922, MedGen C1837342, MONDO:0012127, OMIM 608807.
Early-onset myopathy with fatal cardiomyopathy (CMYO5). Also called: CONGENITAL MYOPATHY 5 WITH CARDIOMYOPATHY; Salih Myopathy. Identifiers: Orphanet 289377, MedGen C2673677, MONDO:0012714, OMIM 611705. Disease mechanism: loss of function.
Myopathy, myofibrillar, 9, with early respiratory failure (MFM9). Also called: Hereditary myopathy with early respiratory failure; MYOPATHY, PROXIMAL, WITH EARLY RESPIRATORY MUSCLE INVOLVEMENT; EDSTROM MYOPATHY; Myopathy, distal, with early respiratory failure, autosomal dominant. Identifiers: Orphanet 178464, Orphanet 34521, MedGen C1863599, MONDO:0011362, OMIM 603689.
Tibial muscular dystrophy (TMD). Also called: UDD MYOPATHY; Tibial muscular dystrophy, tardive; Udd Distal Myopathy – Tibial Muscular Dystrophy. Identifiers: Orphanet 609, MedGen C1838244, MONDO:0010870, OMIM 600334.

Allele frequency attached by ClinVar (database versions not stated): gnomAD 0.00011 and 0.00015; TOPMed 0.00037; gnomAD exomes 0.00039; ExAC 0.00045; 1000 Genomes Project 30x 0.00047; 1000 Genomes Project 0.00060.
gnomAD v4.1: 218 of 1,613,558 alleles (0.014%); highest among the groups gnomAD compares: East Asian, 0.44%; no homozygotes.

Submissions (13):

Labcorp Genetics (formerly Invitae), Labcorp
Classification: Benign for Dilated cardiomyopathy 1G; Autosomal recessive limb-girdle muscular dystrophy type 2J. Last evaluated: 2025-07-20. Review status: criteria provided, single submitter. Criteria: Invitae Variant Classification Sherloc (09022015). Collection method: clinical testing. Allele origin: germline.

CeGaT Center for Human Genetics Tuebingen
Classification: Uncertain significance. Last evaluated: 2025-07-01. Review status: criteria provided, single submitter. Criteria: CeGaT Center For Human Genetics Tuebingen Variant Classification Criteria Version 2. Collection method: clinical testing. Allele origin: germline. Affected: yes. Observed: 1 variant allele.
Comment: TTN: PM2, BP4

Blueprint Genetics
Classification: Likely benign. Last evaluated: 2024-11-04. Review status: criteria provided, single submitter. Criteria: ACMG Guidelines, 2015. Collection method: clinical testing. Allele origin: germline.

GeneDx
Classification: Likely benign. Last evaluated: 2019-06-26. Review status: criteria provided, single submitter. Criteria: GeneDx Variant Classification Process June 2021. Collection method: clinical testing. Allele origin: germline. Affected: yes.

Ambry Genetics
Classification: Likely benign for Cardiovascular phenotype. Last evaluated: 2019-04-01. Review status: criteria provided, single submitter. Criteria: Ambry Variant Classification Scheme 2023. Collection method: clinical testing. Allele origin: germline.

Illumina Laboratory Services, Illumina
Classification: Benign for Tibial muscular dystrophy. Last evaluated: 2018-01-13. Review status: criteria provided, single submitter. Criteria: ICSL Variant Classification Criteria 13 December 2019. Collection method: clinical testing. Allele origin: germline.
Comment: This variant was observed in the ICSL laboratory as part of a predisposition screen in an ostensibly healthy population. It had not been previously curated by ICSL or reported in the Human Gene Mutation Database (HGMD: prior to June 1st, 2018), and was therefore a candidate for classification through an automated scoring system. Utilizing variant allele frequency, disease prevalence and penetrance estimates, and inheritance mode, an automated score was calculated to assess if this variant is too frequent to cause the disease. Based on the score and internal cut-off values, a variant classified as benign is not then subjected to further curation. The score for this variant resulted in a classification of benign for this disease.

Illumina Laboratory Services, Illumina
Classification: Uncertain significance for Autosomal recessive limb-girdle muscular dystrophy type 2J. Last evaluated: 2018-01-13. Review status: criteria provided, single submitter. Criteria: ICSL Variant Classification Criteria 13 December 2019. Collection method: clinical testing. Allele origin: germline.

Illumina Laboratory Services, Illumina
Classification: Benign for Myopathy, myofibrillar, 9, with early respiratory failure. Last evaluated: 2018-01-13. Review status: criteria provided, single submitter. Criteria: ICSL Variant Classification Criteria 13 December 2019. Collection method: clinical testing. Allele origin: germline.
Comment: the same text as in the submission from Illumina Laboratory Services, Illumina above.

Illumina Laboratory Services, Illumina
Classification: Uncertain significance for Dilated cardiomyopathy 1G. Last evaluated: 2018-01-13. Review status: criteria provided, single submitter. Criteria: ICSL Variant Classification Criteria 13 December 2019. Collection method: clinical testing. Allele origin: germline.

Illumina Laboratory Services, Illumina
Classification: Uncertain significance for Early-onset myopathy with fatal cardiomyopathy. Last evaluated: 2018-01-13. Review status: criteria provided, single submitter. Criteria: ICSL Variant Classification Criteria 13 December 2019. Collection method: clinical testing. Allele origin: germline.

Eurofins Ntd Llc (ga)
Classification: Uncertain significance. Last evaluated: 2013-12-18. Review status: criteria provided, single submitter. Criteria: EGL Classification Definitions 2015. Collection method: clinical testing. Allele origin: germline. Observed: 2 variant alleles, 2 heterozygotes.

Biesecker Lab/Clinical Genomics Section, National Institutes of Health
Classification: Uncertain significance. Last evaluated: 2013-06-24. Review status: criteria provided, single submitter. Criteria: Ng et al. (Circ Cardiovasc Genet. 2013). Collection method: research. Allele origin: unknown. Observed: 1 variant allele. Study: ClinSeq.
Comment: The study set was not selected for affection status in relation to any cancer. Pathogenicity categories were based on literature curation. See Pubmed ID:23861362 for details.

Medical sequencing

PreventionGenetics, part of Exact Sciences
Classification: Likely benign for TTN-related condition. Last evaluated: 2024-06-03. Review status: no assertion criteria provided. Collection method: clinical testing. Allele origin: germline. Not counted in ClinVar's aggregate classification.
Comment: This variant is classified as likely benign based on ACMG/AMP sequence variant interpretation guidelines (Richards et al. 2015 PMID: 25741868, with internal and published modifications).